The following is an entry in ClinVar:

NM_002473.6(MYH9):c.3486G>T (p.Arg1162Ser)

Gene: MYH9 (myosin heavy chain 9; minus strand). Cytogenetic location: 22q12.3.
Variant type: single nucleotide variant.
Coding change: c.3486G>T on transcript NM_002473.6 (MANE Select); coding-DNA position 3486, G replaced by T.
Protein change: p.Arg1162Ser; replaces arginine 1162 with serine.
Molecular consequence: missense variant.
Genome position (GRCh38, 1-based): chr22:36,295,076, C>A on the plus strand (G>T on the coding strand, the complement: MYH9 is on the minus strand). VCF-style: chr22-36295076-C-A. GRCh37 (hg19) VCF-style: chr22-36691122-C-A.
Other names: short protein forms R1162S.
Identifiers: ClinVar variation 1684415 (VCV001684415.3), dbSNP rs2016767710, ClinGen allele CA411387945.

ClinVar aggregate classification (germline): Likely pathogenic (1 of 4 stars; one submission).

Conditions:
Macrothrombocytopenia and granulocyte inclusions with or without nephritis or sensorineural hearing loss (MATINS). Also called: MYH9-Related Disease (MYH9-RD); MACROTHROMBOCYTOPENIA WITH LEUKOCYTE INCLUSIONS; BLEEDING DISORDER, PLATELET-TYPE, 6; SEBASTIAN PLATELET SYNDROME; MACROTHROMBOCYTOPENIA WITH DISPERSED LEUKOCYTIC INCLUSIONS; MACROTHROMBOCYTOPENIA, NEPHRITIS, AND DEAFNESS. Identifiers: Orphanet 182050, MedGen C5200934, MONDO:0015912, OMIM 155100.

Submission:

ISTH-SSC Genomics in Thrombosis and Hemostasis, KU Leuven, Center for Molecular and Vascular Biology
Classification: Likely pathogenic for Macrothrombocytopenia and granulocyte inclusions with or without nephritis or sensorineural hearing loss. Review status: criteria provided, single submitter. Criteria: ACMG Guidelines, 2015. Collection method: clinical testing. Allele origin: germline. Affected: yes. Observed: 1 heterozygote.
Comment: Submitted to GoldVariant by Jose María Bastida and José Rivera; Grupo Español de Alteraciones Plaquetarias Congénitas (GEAPC)